The following is an entry in ClinVar:

Conditions:
Breast-ovarian cancer, familial, susceptibility to, 1 (BROVCA1). Also called: BRCA1 Hereditary Breast and Ovarian Cancer; OVARIAN CANCER, SUSCEPTIBILITY TO. Identifiers: Orphanet 145, MedGen C2676676, MONDO:0011450, OMIM 604370. Disease mechanism: loss of function.

gnomAD v4.1: 1 of 1,613,766 alleles (0.000062%); highest among the groups gnomAD compares: Non-Finnish European, 0.000085%; no homozygotes.

Submission:

Brotman Baty Institute, University of Washington
No classification provided (evidence only). Condition: Breast-ovarian cancer, familial 1. Review status: no classification provided. Collection method: in vitro. Allele origin: not applicable. Functional consequence: functionally_normal.
ClinVar note: "not provided" was previously submitted as the classification for the variant. However, the classification appeared to be based only on an observation of functional data so it was converted to no classification on 2025-07-30.

NM_007294.4(BRCA1):c.5468-10C>G

Gene: BRCA1 (BRCA1 DNA repair associated; minus strand). Cytogenetic location: 17q21.31.
Variant type: single nucleotide variant.
Coding change: c.5468-10C>G on transcript NM_007294.4 (MANE Select); 10 bases into the intron before coding-DNA position 5468, C replaced by G.
Molecular consequence: intron variant.
Genome position (GRCh38, 1-based): chr17:43,045,812, G>C on the plus strand (C>G on the coding strand, the complement: BRCA1 is on the minus strand). VCF-style: chr17-43045812-G-C. GRCh37 (hg19) VCF-style: chr17-41197829-G-C.
Other names: c.2015-10C>G (NM_001408458.1, NM_001408461.1, NM_001408464.1 and 7 more transcripts); c.4577-10C>G (NM_001407967.1); c.5087-10C>G (NM_001407959.1); c.5201-10C>G (NM_001407931.1, NM_001407932.1, NM_001407928.1 and 4 more transcripts); c.5324-10C>G (NM_001407747.1, NM_001407745.1, NM_001407737.1 and 18 more transcripts); c.5084-10C>G (NM_001407962.1, NM_001407960.1); c.1655-10C>G (NM_001408512.1); c.1778-10C>G (NM_001408510.1); and 83 more.
Identifiers: ClinVar variation 864904 (VCV000864904.3), dbSNP rs8176316, ClinGen allele CA916080719.